The following is an entry in ClinVar:

ClinVar aggregate classification (germline): Pathogenic. Review status: criteria provided, multiple submitters, no conflicts (2 of 4 stars). 2 submissions from 2 submitters: Pathogenic (2). Last evaluated 2026-01-25.

Conditions:
Hemochromatosis type 4 (HFE4). Also called: Ferroportin disease; HEMOCHROMATOSIS DUE TO DEFECT IN FERROPORTIN; HEMOCHROMATOSIS, AUTOSOMAL DOMINANT. Identifiers: Orphanet 139491, Orphanet 647834, Orphanet 648562, MedGen C1853733, MONDO:0011631, OMIM 606069.

Allele frequency attached by ClinVar (database versions not stated): gnomAD exomes below 0.00001.
gnomAD v4.1: 1 of 1,612,800 alleles (0.000062%); no homozygotes.

Submissions (2):

Labcorp Genetics (formerly Invitae), Labcorp
Classification: Pathogenic for Hemochromatosis type 4. Last evaluated: 2026-01-25. Review status: criteria provided, single submitter. Criteria: Invitae Variant Classification Sherloc (09022015). Collection method: clinical testing. Allele origin: germline.
Comment: This sequence change replaces asparagine, which is neutral and polar, with aspartic acid, which is acidic and polar, at codon 144 of the SLC40A1 protein (p.Asn144Asp). This variant is not present in population databases (gnomAD no frequency). This missense change has been observed in individuals with hereditary hemochromatosis (PMID: 15030991, 30500107; internal data). ClinVar contains an entry for this variant (Variation ID: 801843). Invitae Evidence Modeling of protein sequence and biophysical properties (such as structural, functional, and spatial information, amino acid conservation, physicochemical variation, residue mobility, and thermodynamic stability) has been performed for this missense variant. However, the output from this modeling did not meet the statistical confidence thresholds required to predict the impact of this variant on SLC40A1 protein function. Experimental studies have shown that this missense change affects SLC40A1 function (PMID: 15831700, 19383972). This variant disrupts the p.Asn144 amino acid residue in SLC40A1. Other variant(s) that disrupt this residue have been determined to be pathogenic (PMID: 11431687, 12865285, 15030991, 15831700, 16440176). This suggests that this residue is clinically significant, and that variants that disrupt this residue are likely to be disease-causing. For these reasons, this variant has been classified as Pathogenic.

Mendelics
Classification: Pathogenic for Hemochromatosis type 4. Last evaluated: 2023-03-14. Review status: criteria provided, single submitter. Criteria: Mendelics Assertion Criteria 2017. Collection method: clinical testing. Allele origin: unknown.

Literature cited by the submitters: PubMed 15030991 (cited by Labcorp Genetics (formerly Invitae), Labcorp); PubMed 30500107 (cited by Labcorp Genetics (formerly Invitae), Labcorp); PubMed 15831700 (cited by Labcorp Genetics (formerly Invitae), Labcorp); PubMed 19383972 (cited by Labcorp Genetics (formerly Invitae), Labcorp); PubMed 11431687 (cited by Labcorp Genetics (formerly Invitae), Labcorp); PubMed 12865285 (cited by Labcorp Genetics (formerly Invitae), Labcorp); PubMed 16440176 (cited by Labcorp Genetics (formerly Invitae), Labcorp).

NM_014585.6(SLC40A1):c.430A>G (p.Asn144Asp)

Gene: SLC40A1 (solute carrier family 40 member 1; minus strand). Cytogenetic location: 2q32.2.
Variant type: single nucleotide variant.
Coding change: c.430A>G on transcript NM_014585.6 (MANE Select); coding-DNA position 430, A replaced by G.
Protein change: p.Asn144Asp; replaces asparagine 144 with aspartic acid.
Molecular consequence: missense variant.
Genome position (GRCh38, 1-based): chr2:189,571,799, T>C on the plus strand (A>G on the coding strand, the complement: SLC40A1 is on the minus strand). VCF-style: chr2-189571799-T-C. GRCh37 (hg19) VCF-style: chr2-190436525-T-C.
Other names: short protein forms N144D.
Identifiers: ClinVar variation 801843 (VCV000801843.9), dbSNP rs104893662, ClinGen allele CA349989223.